The following is an entry in ClinVar:

NM_001308210.2(TSHZ1):c.1168G>A (p.Val390Ile)

Gene: TSHZ1 (teashirt zinc finger homeobox 1; plus strand). Cytogenetic location: 18q22.3.
Variant type: single nucleotide variant.
Coding change: c.1168G>A on transcript NM_001308210.2 (MANE Select); coding-DNA position 1168, G replaced by A.
Protein change: p.Val390Ile; replaces valine 390 with isoleucine.
Molecular consequence: missense variant.
Genome position (GRCh38, 1-based): chr18:75,286,575, G>A. VCF-style: chr18-75286575-G-A. GRCh37 (hg19) VCF-style: chr18-72998530-G-A.
Other names: c.1033G>A, p.Val345Ile (NM_005786.6); c.1033G>A (NM_005786.4); short protein forms V345I, V390I.
Identifiers: ClinVar variation 3183668 (VCV003183668.3), dbSNP rs145008445, ClinGen allele CA9001974.

ClinVar aggregate classification (germline): Conflicting classifications of pathogenicity. Review status: criteria provided, conflicting classifications (1 of 4 stars). 3 submissions from 3 submitters: Uncertain significance (1); Likely benign (2). Last evaluated 2025-10-30.

Conditions:
TSHZ1-related disorder. Also called: TSHZ1-related condition.

Allele frequency attached by ClinVar (database versions not stated): TOPMed 0.00038 and 0.00042; gnomAD 0.00041 and 0.00042; ExAC 0.00054; ESP Exome Variant Server 0.00054.
gnomAD v4.1: 829 of 1,614,096 alleles (0.051%); highest among the groups gnomAD compares: Non-Finnish European, 0.066%; no homozygotes.

Submissions (3):

PreventionGenetics, part of Exact Sciences
Classification: Likely benign for TSHZ1-related condition. Last evaluated: 2025-10-30. Review status: criteria provided, single submitter. Criteria: ACMG Guidelines, 2015. Collection method: clinical testing. Allele origin: germline.
Comment: This variant is classified as likely benign based on ACMG/AMP sequence variant interpretation guidelines (Richards et al. 2015 PMID: 25741868, with internal and published modifications).

Blueprint Genetics
Classification: Likely benign. Last evaluated: 2024-10-03. Review status: criteria provided, single submitter. Criteria: ACMG Guidelines, 2015. Collection method: clinical testing. Allele origin: germline.

Ambry Genetics
Classification: Uncertain significance. Last evaluated: 2021-08-09. Review status: criteria provided, single submitter. Criteria: Ambry Variant Classification Scheme 2023. Collection method: clinical testing. Allele origin: germline.